The following is an entry in ClinVar:

NM_001012614.2(CTBP1):c.381C>A (p.Asn127Lys)

Gene: CTBP1 (C-terminal binding protein 1; minus strand). Cytogenetic location: 4p16.3.
Variant type: single nucleotide variant.
Coding change: c.381C>A on transcript NM_001012614.2 (MANE Select); coding-DNA position 381, C replaced by A.
Protein change: p.Asn127Lys; replaces asparagine 127 with lysine.
Molecular consequence: missense variant.
Genome position (GRCh38, 1-based): chr4:1,225,493, G>T on the plus strand (C>A on the coding strand, the complement: CTBP1 is on the minus strand). VCF-style: chr4-1225493-G-T. GRCh37 (hg19) VCF-style: chr4-1219281-G-T.
Other names: c.414C>A, p.Asn138Lys (NM_001328.3, NM_001377186.1); c.381C>A, p.Asn127Lys (NM_001377187.1, NM_001377188.1, NM_001377189.1 and 4 more transcripts); short protein forms N127K, N138K.
Identifiers: ClinVar variation 3383634 (VCV003383634.1).
Genomic context (GRCh38, chr4:1,225,493, plus strand): 5'-GCTCTGGACTCGTGTGCCCTCCCGCAGCGCCTGGTGCAGCCAGGTGGCCCGCCGGTACAG[G>T]TTCAGGATGTGGCACAGCGTCGAGTCGGCCGTCTCCTCCACAGACGCCGCGGGCACGTTG-3'
Protein context (NP_001012632.1, residues 117-137): TADSTLCHIL[Asn127Lys]LYRRATWLHQ

ClinVar aggregate classification (germline): Uncertain significance (1 of 4 stars; one submission).

Submission:

GeneDx
Classification: Uncertain significance. Last evaluated: 2024-05-30. Review status: criteria provided, single submitter. Criteria: GeneDx Variant Classification Process June 2021. Collection method: clinical testing. Allele origin: germline. Affected: yes.
Comment: Not observed at significant frequency in large population cohorts (gnomAD); In silico analysis supports that this missense variant has a deleterious effect on protein structure/function; Has not been previously published as pathogenic or benign to our knowledge